The following is an entry in ClinVar:

NM_004960.4(FUS):c.669CGG[4] (p.Gly230_Gly231del)

Gene: FUS (FUS DNA/RNA binding protein; plus strand). Cytogenetic location: 16p11.2.
Variant type: Microsatellite.
Coding change: c.669CGG[4] on transcript NM_004960.4 (MANE Select); four copies in a row of the 3-base unit CGG starting at c.669; the reference has six copies in a row; two copies, 6 bases deleted.
Protein change: p.Gly230_Gly231del.
Molecular consequence: inframe deletion. On other transcripts: non-coding transcript variant (1).
Genome position (GRCh38, 1-based): chr16:31,185,096-31,185,101, CGGCGG deleted; deleting any 6 consecutive bases within chr16:31,185,082-31,185,101 gives the same sequence; the position shown is the placement nearest the transcript's 3' end. VCF-style (leftmost placement, unchanged base first): chr16-31185081-TGGCGGC-T. GRCh37 (hg19) VCF-style: chr16-31196402-TGGCGGC-T.
Other names: p.Gly230_Gly231del; c.666CGG[4], p.Gly229_Gly230del (NM_001170634.1); c.657CGG[4], p.Gly226_Gly227del (NM_001170937.1); c.681_686delCGGCGG (NM_004960.3).
Identifiers: ClinVar variation 704279 (VCV000704279.56), dbSNP rs72550890, ClinGen allele CA8023737.

ClinVar aggregate classification (germline): Benign/Likely benign. Review status: criteria provided, multiple submitters, no conflicts (2 of 4 stars). 7 submissions from 7 submitters: Benign (1); Likely benign (5). 1 of the submissions does not count toward it. Last evaluated 2026-07-01.

Conditions:
Inborn genetic diseases. Identifiers: MedGen C0950123, MeSH D030342.
Amyotrophic lateral sclerosis type 6. Also called: FUS-Related Amyotrophic Laterial Sclerosis; AMYOTROPHIC LATERAL SCLEROSIS 6 WITHOUT FRONTOTEMPORAL DEMENTIA; Amyotrophic lateral sclerosis 6, with or without frontotemporal dementia. Identifiers: Orphanet 275872, Orphanet 803, MedGen C2931786, MONDO:0011951, OMIM 608030.
Tremor, hereditary essential, 4 (ETM4). Identifiers: MedGen C3539195, MONDO:0013888, OMIM 614782.
FUS-related disorder. Also called: FUS-related condition.

Submissions (7):

CeGaT Center for Human Genetics Tuebingen
Classification: Likely benign. Last evaluated: 2026-07-01. Review status: criteria provided, single submitter. Criteria: CeGaT Center For Human Genetics Tuebingen Variant Classification Criteria Version 2. Collection method: clinical testing. Allele origin: germline. Affected: yes. Observed: 4 variant alleles.
Comment: FUS: BP3, BS2

Labcorp Genetics (formerly Invitae), Labcorp
Classification: Likely benign for Tremor, hereditary essential, 4; Amyotrophic lateral sclerosis type 6. Last evaluated: 2025-12-17. Review status: criteria provided, single submitter. Criteria: Invitae Variant Classification Sherloc (09022015). Collection method: clinical testing. Allele origin: germline.

Mayo Clinic Laboratories, Mayo Clinic
Classification: Likely benign. Last evaluated: 2025-07-08. Review status: criteria provided, single submitter. Criteria: ACMG Guidelines, 2015. Collection method: clinical testing. Allele origin: germline. Observed: 2 variant alleles.
Comment: BS2, BP3

Athena Diagnostics
Classification: Benign. Last evaluated: 2023-10-04. Review status: criteria provided, single submitter. Criteria: Athena Diagnostics Criteria. Collection method: clinical testing. Allele origin: unknown.

Ambry Genetics
Classification: Likely benign for Inborn genetic diseases. Last evaluated: 2020-10-12. Review status: criteria provided, single submitter. Criteria: Ambry Variant Classification Scheme 2023. Collection method: clinical testing. Allele origin: germline.

GeneDx
Classification: Likely benign. Last evaluated: 2019-01-21. Review status: criteria provided, single submitter. Criteria: GeneDx Variant Classification Process June 2021. Collection method: clinical testing. Allele origin: germline. Affected: yes.
Comment: See Variant Classification Assertion Criteria.

PreventionGenetics, part of Exact Sciences
Classification: Likely benign for FUS-related condition. Last evaluated: 2022-05-26. Review status: no assertion criteria provided. Collection method: clinical testing. Allele origin: germline. Not counted in ClinVar's aggregate classification.
Comment: This variant is classified as likely benign based on ACMG/AMP sequence variant interpretation guidelines (Richards et al. 2015 PMID: 25741868, with internal and published modifications).

Literature cited by the submitters: PubMed 32166880 (cited by Mayo Clinic Laboratories, Mayo Clinic); PubMed 32729724 (cited by Mayo Clinic Laboratories, Mayo Clinic); PubMed 36133075 (cited by Mayo Clinic Laboratories, Mayo Clinic and Athena Diagnostics); PubMed 19861302 (cited by Athena Diagnostics and Ambry Genetics); PubMed 21074900 (cited by Athena Diagnostics); PubMed 33652732 (cited by Athena Diagnostics).